The following is an entry in ClinVar:

NM_000719.7(CACNA1C):c.6359G>T (p.Arg2120Leu)

Genes: CACNA1C (calcium voltage-gated channel subunit alpha1 C; plus strand), CACNA1C-AS1 (CACNA1C antisense RNA 1; minus strand). Cytogenetic location: 12p13.33.
Variant type: single nucleotide variant.
Coding change: c.6359G>T on transcript NM_000719.7 (MANE Select); coding-DNA position 6359, G replaced by T.
Protein change: p.Arg2120Leu; replaces arginine 2120 with leucine.
Molecular consequence: missense variant. On other transcripts: non-coding transcript variant (1).
Genome position (GRCh38, 1-based): chr12:2,691,141, G>T. VCF-style: chr12-2691141-G-T. GRCh37 (hg19) VCF-style: chr12-2800307-G-T.
Other names: c.6503G>T, p.Arg2168Leu (NM_001129827.2); c.6482G>T, p.Arg2161Leu (NM_001129829.2); c.6464G>T, p.Arg2155Leu (NM_001129830.3, NM_001167624.3); c.6443G>T, p.Arg2148Leu (NM_001129831.2); c.6419G>T, p.Arg2140Leu (NM_001129832.2); c.6416G>T, p.Arg2139Leu (NM_001129833.2, NM_001129834.2, NM_001129835.2); c.6410G>T, p.Arg2137Leu (NM_001129836.2); c.6383G>T, p.Arg2128Leu (NM_001129837.2, NM_001129838.2); and 6 more; short protein forms R2109L, R2117L, R2120L, R2126L, R2128L, R2137L, R2139L, R2140L.
Identifiers: ClinVar variation 2574935 (VCV002574935.1), dbSNP rs1396060562, ClinGen allele CA383387587.

ClinVar aggregate classification (germline): Uncertain significance (1 of 4 stars; one submission).

Submission:

GeneDx
Classification: Uncertain significance. Last evaluated: 2023-02-06. Review status: criteria provided, single submitter. Criteria: GeneDx Variant Classification Process June 2021. Collection method: clinical testing. Allele origin: germline. Affected: yes.
Comment: Not observed at significant frequency in large population cohorts (gnomAD); In silico analysis supports that this missense variant does not alter protein structure/function; Has not been previously published as pathogenic or benign to our knowledge